The following is an entry in ClinVar:

ClinVar aggregate classification (germline): Uncertain significance (1 of 4 stars; one submission).

Submission:

Ambry Genetics
Classification: Uncertain significance. Last evaluated: 2024-03-28. Review status: criteria provided, single submitter. Criteria: Ambry Variant Classification Scheme 2023. Collection method: clinical testing. Allele origin: germline.
Comment: The p.E1744Q variant (also known as c.5230G>C), located in coding exon 4 of the ALPK2 gene, results from a G to C substitution at nucleotide position 5230. The glutamic acid at codon 1744 is replaced by glutamine, an amino acid with highly similar properties. This amino acid position is conserved. In addition, this alteration is predicted to be tolerated by in silico analysis. Based on the available evidence, the clinical significance of this alteration remains unclear.

NM_052947.4(ALPK2):c.5230G>C (p.Glu1744Gln)

Genes: ALPK2 (alpha kinase 2; minus strand), LOC130062577 (ATAC-STARR-seq lymphoblastoid active region 13389; plus strand). Cytogenetic location: 18q21.31.
Variant type: single nucleotide variant.
Coding change: c.5230G>C on transcript NM_052947.4 (MANE Select); coding-DNA position 5230, G replaced by C.
Protein change: p.Glu1744Gln; replaces glutamic acid 1744 with glutamine.
Molecular consequence: missense variant.
Genome position (GRCh38, 1-based): chr18:58,534,957, C>G on the plus strand (G>C on the coding strand, the complement: ALPK2 is on the minus strand). VCF-style: chr18-58534957-C-G. GRCh37 (hg19) VCF-style: chr18-56202189-C-G.
Other names: short protein forms E1744Q.
Identifiers: ClinVar variation 3289924 (VCV003289924.1).